The following is an entry in ClinVar:

NC_000017.10:g.(?_59885822)_(59938906_?)dup

Genes: BRIP1 (BRCA1 interacting DNA helicase 1; minus strand), LOC110120932 (VISTA enhancer hs778; plus strand). Cytogenetic location: 17q23.2.
Variant type: Duplication.
Identifiers: ClinVar variation 583415 (VCV000583415.2).

ClinVar aggregate classification (germline): Uncertain significance (1 of 4 stars; one submission).

Conditions:
Familial cancer of breast. Also called: hereditary breast carcinoma; BREAST CANCER, FAMILIAL; Hereditary breast cancer. Identifiers: Orphanet 227535, MedGen C0346153, MONDO:0016419, OMIM 114480. Disease mechanism: loss of function.
Fanconi anemia complementation group J. Also called: BRIP1-Related Fanconi Anemia. Identifiers: Orphanet 84, MedGen C1836860, MONDO:0012187, OMIM 609054.

Submission:

Labcorp Genetics (formerly Invitae), Labcorp
Classification: Uncertain significance for Familial cancer of breast; Fanconi anemia, complementation group J. Last evaluated: 2018-02-19. Review status: criteria provided, single submitter. Criteria: Invitae Variant Classification Sherloc (09022015). Collection method: clinical testing. Allele origin: germline.
Comment: This variant is a gross duplication of the genomic region encompassing exons 2-7 of the BRIP1 gene. The 5' end of this event is unknown as it extends beyond the assayed region for this gene and therefore may encompass additional genes. The 3' boundary is likely confined to intron 7 of the BRIP1 gene. The exact location of this variant in the genome is unknown. This duplication has not been reported in the literature in individuals with BRIP1-related disease. Experimental studies are not available for this copy number variant, and the functional significance of the duplicated exons is currently unknown. In summary, the available evidence is currently insufficient to determine the role of this variant in disease. Therefore, it has been classified as a Variant of Uncertain Significance.